The following is an entry in ClinVar:

NM_007118.4(TRIO):c.5263_5264delinsA (p.Pro1755fs)

Gene: TRIO (trio Rho guanine nucleotide exchange factor; plus strand). Cytogenetic location: 5p15.2.
Variant type: Indel.
Coding change: c.5263_5264delinsA on transcript NM_007118.4 (MANE Select); coding-DNA positions 5263 to 5264, CC replaced by A.
Protein change: p.Pro1755fs; shifts the reading frame from proline 1755.
Molecular consequence: frameshift variant. On other transcripts: non-coding transcript variant (1).
Genome position (GRCh38, 1-based): chr5:14,461,078-14,461,079, CC replaced by A. VCF-style: chr5-14461078-CC-A. GRCh37 (hg19) VCF-style: chr5-14461187-CC-A.
Other names: short protein forms P1755fs.
Identifiers: ClinVar variation 5018884 (VCV005018884.1).

ClinVar aggregate classification (germline): Likely pathogenic (1 of 4 stars; one submission).

Conditions:
Intellectual developmental disorder, autosomal dominant 44, with microcephaly. Also called: Micrognathia-recurrent infections-behavioral abnormalities-mild intellectual disability syndrome; TRIO-Related Intellectual Disability. Identifiers: Orphanet 476126, MedGen C4310740, MONDO:0014892, OMIM 617061.
Intellectual developmental disorder, autosomal dominant 63, with macrocephaly. Also called: MENTAL RETARDATION, AUTOSOMAL DOMINANT 63, WITH MACROCEPHALY. Identifiers: MedGen C5394205, MONDO:0032939, OMIM 618825.

Submission:

Juno Genomics, Hangzhou Juno Genomics, Inc
Classification: Likely pathogenic for Intellectual developmental disorder, autosomal dominant 44, with microcephaly; Intellectual developmental disorder, autosomal dominant 63, with macrocephaly. Review status: criteria provided, single submitter. Criteria: ACMG Guidelines, 2015. Collection method: clinical testing. Allele origin: germline. Affected: yes.
Comment: Absent from controls (or at extremely low frequency if recessive) in Genome Aggregation Database.;Null variant in a gene where loss of function (LOF) is a known mechanism of disease.